The following is an entry in ClinVar:

NM_001292063.2(OTOG):c.8164G>A (p.Val2722Met)

Gene: OTOG (otogelin; plus strand). Cytogenetic location: 11p15.1.
Variant type: single nucleotide variant.
Coding change: c.8164G>A on transcript NM_001292063.2 (MANE Select); coding-DNA position 8164, G replaced by A.
Protein change: p.Val2722Met; replaces valine 2722 with methionine.
Molecular consequence: missense variant.
Genome position (GRCh38, 1-based): chr11:17,641,065, G>A. VCF-style: chr11-17641065-G-A. GRCh37 (hg19) VCF-style: chr11-17662612-G-A.
Other names: c.8200G>A, p.Val2734Met (NM_001277269.2); short protein forms V2722M, V2734M.
Identifiers: ClinVar variation 2177141 (VCV002177141.4), dbSNP rs1310923563, ClinGen allele CA379784856.
Genomic context (GRCh38, chr11:17,641,065, plus strand): 5'-TCCCGCTGCACCACCGTGCTCGACCCTCTCACCAACTTCTACCAGATCAACACCACCTCC[G>A]TGCTCTGTGACATCCACTGTGAGGCGGTAGGGTGCAGCCCAGGGCGGGGTGGGTGGGGTT-3'
Protein context (NP_001278992.1, residues 2712-2732): TNFYQINTTS[Val2722Met]LCDIHCEANQ

ClinVar aggregate classification (germline): Uncertain significance (1 of 4 stars; one submission).

Allele frequency attached by ClinVar (database versions not stated): gnomAD 0.00002; TOPMed 0.00002.
gnomAD v4.1: 17 of 1,540,220 alleles (0.0011%); highest among the groups gnomAD compares: African/African-American, 0.0014%; no homozygotes.

Submission:

Labcorp Genetics (formerly Invitae), Labcorp
Classification: Uncertain significance. Last evaluated: 2025-05-12. Review status: criteria provided, single submitter. Criteria: Invitae Variant Classification Sherloc (09022015). Collection method: clinical testing. Allele origin: germline.
Comment: This sequence change replaces valine, which is neutral and non-polar, with methionine, which is neutral and non-polar, at codon 2734 of the OTOG protein (p.Val2734Met). This variant is present in population databases (no rsID available, gnomAD 0.01%). This missense change has been observed in individual(s) with OTOG-related conditions (PMID: 38519595). ClinVar contains an entry for this variant (Variation ID: 2177141). An algorithm developed to predict the effect of missense changes on protein structure and function (PolyPhen-2) suggests that this variant is likely to be tolerated. In summary, the available evidence is currently insufficient to determine the role of this variant in disease. Therefore, it has been classified as a Variant of Uncertain Significance.

Literature cited by the submitters: PubMed 38519595.